The following is an entry in ClinVar:

NM_006904.7(PRKDC):c.3420G>T (p.Lys1140Asn)

Gene: PRKDC (protein kinase, DNA-activated, catalytic subunit; minus strand). Cytogenetic location: 8q11.21.
Variant type: single nucleotide variant.
Coding change: c.3420G>T on transcript NM_006904.7 (MANE Select); coding-DNA position 3420, G replaced by T.
Protein change: p.Lys1140Asn; replaces lysine 1140 with asparagine.
Molecular consequence: missense variant.
Genome position (GRCh38, 1-based): chr8:47,898,514, C>A on the plus strand (G>T on the coding strand, the complement: PRKDC is on the minus strand). VCF-style: chr8-47898514-C-A. GRCh37 (hg19) VCF-style: chr8-48811074-C-A.
Other names: c.3420G>T, p.Lys1140Asn (NM_001081640.2); short protein forms K1140N.
Identifiers: ClinVar variation 1731270 (VCV001731270.2), dbSNP rs2551874965, ClinGen allele CA371154552.

ClinVar aggregate classification (germline): Uncertain significance (1 of 4 stars; one submission).

Submission:

Ambry Genetics
Classification: Uncertain significance. Last evaluated: 2021-12-10. Review status: criteria provided, single submitter. Criteria: Ambry Variant Classification Scheme 2023. Collection method: clinical testing. Allele origin: germline.
Comment: The p.K1140N variant (also known as c.3420G>T), located in coding exon 29 of the PRKDC gene, results from a G to T substitution at nucleotide position 3420. The lysine at codon 1140 is replaced by asparagine, an amino acid with similar properties. This amino acid position is conserved. In addition, this alteration is predicted to be tolerated by in silico analysis. Since supporting evidence is limited at this time, the clinical significance of this alteration remains unclear.